The following is an entry in ClinVar:

NM_014014.5(SNRNP200):c.149C>G (p.Thr50Ser)

Gene: SNRNP200 (small nuclear ribonucleoprotein U5 subunit 200; minus strand). Cytogenetic location: 2q11.2.
Variant type: single nucleotide variant.
Coding change: c.149C>G on transcript NM_014014.5 (MANE Select); coding-DNA position 149, C replaced by G.
Protein change: p.Thr50Ser; replaces threonine 50 with serine.
Molecular consequence: missense variant.
Genome position (GRCh38, 1-based): chr2:96,304,765, G>C on the plus strand (C>G on the coding strand, the complement: SNRNP200 is on the minus strand). VCF-style: chr2-96304765-G-C. GRCh37 (hg19) VCF-style: chr2-96970503-G-C.
Other names: short protein forms T50S.
Identifiers: ClinVar variation 2091344 (VCV002091344.4), dbSNP rs2467363000, ClinGen allele CA347690166.

ClinVar aggregate classification (germline): Uncertain significance (1 of 4 stars; one submission).

Submission:

Labcorp Genetics (formerly Invitae), Labcorp
Classification: Uncertain significance. Last evaluated: 2022-12-06. Review status: criteria provided, single submitter. Criteria: Invitae Variant Classification Sherloc (09022015). Collection method: clinical testing. Allele origin: germline.
Comment: In summary, the available evidence is currently insufficient to determine the role of this variant in disease. Therefore, it has been classified as a Variant of Uncertain Significance. Algorithms developed to predict the effect of missense changes on protein structure and function (SIFT, PolyPhen-2, Align-GVGD) all suggest that this variant is likely to be tolerated. This variant has not been reported in the literature in individuals affected with SNRNP200-related conditions. This variant is not present in population databases (gnomAD no frequency). This sequence change replaces threonine, which is neutral and polar, with serine, which is neutral and polar, at codon 50 of the SNRNP200 protein (p.Thr50Ser).